The following is an entry in ClinVar:

ClinVar aggregate classification (germline): Likely benign. Review status: criteria provided, multiple submitters, no conflicts (2 of 4 stars). 3 submissions from 3 submitters: Likely benign (3). Last evaluated 2026-04-14.

Conditions:
DICER1-related tumor predisposition. Also called: DICER1 syndrome; DICER1-related pleuropulmonary blastoma cancer predisposition syndrome. Identifiers: Orphanet 284343, MedGen C3839822, MONDO:0100216.
Hereditary cancer-predisposing syndrome. Also called: Neoplastic Syndromes, Hereditary; Tumor predisposition; Hereditary Cancer Syndrome; Hereditary neoplastic syndrome. Identifiers: Orphanet 140162, MedGen C0027672, MeSH D009386, MONDO:0015356.

Allele frequency attached by ClinVar (database versions not stated): TOPMed below 0.00001.

Submissions (3):

Myriad Genetics, Inc.
Classification: Likely benign for DICER1-related tumor predisposition. Last evaluated: 2026-04-14. Review status: criteria provided, single submitter. Criteria: Myriad Autosomal Dominant, Autosomal Recessive and X-Linked Classification Criteria (2023). Collection method: clinical testing. Allele origin: unknown.
Comment: This variant is considered likely benign. This variant is intronic and is not expected to impact mRNA splicing.

Ambry Genetics
Classification: Likely benign for Hereditary cancer-predisposing syndrome. Last evaluated: 2025-08-22. Review status: criteria provided, single submitter. Criteria: Ambry Variant Classification Scheme 2023. Collection method: clinical testing. Allele origin: germline.

Labcorp Genetics (formerly Invitae), Labcorp
Classification: Likely benign for DICER1-related tumor predisposition. Last evaluated: 2025-02-20. Review status: criteria provided, single submitter. Criteria: Invitae Variant Classification Sherloc (09022015). Collection method: clinical testing. Allele origin: germline.

NM_177438.3(DICER1):c.5096-5C>T

Gene: DICER1 (dicer 1, ribonuclease III; minus strand). Cytogenetic location: 14q32.13.
Variant type: single nucleotide variant.
Coding change: c.5096-5C>T on transcript NM_177438.3 (MANE Select); 5 bases into the intron before coding-DNA position 5096, C replaced by T.
Molecular consequence: intron variant.
Genome position (GRCh38, 1-based): chr14:95,094,161, G>A on the plus strand (C>T on the coding strand, the complement: DICER1 is on the minus strand). VCF-style: chr14-95094161-G-A. GRCh37 (hg19) VCF-style: chr14-95560498-G-A.
Other names: c.5096-5C>T (NM_177438.2, NM_001291628.2, NM_030621.4 and 2 more transcripts).
Identifiers: ClinVar variation 1096370 (VCV001096370.13), dbSNP rs1890104787, ClinGen allele CA2156300574.
Genomic context (GRCh38, chr14:95,094,161, plus strand): 5'-GGTTATGAGGTAGTCCAAAATCGCATCTCCCAGGAATTCTAAGCGCTGGTAACAATCTGA[G>A]GGGATCCGAAGTGGAACCGTAAGCTTGTGCAGAAGCATTTACACTATCCCCACATAGCAA-3'